The following is an entry in ClinVar:

NM_182961.4(SYNE1):c.10209T>C (p.Gly3403=)

Gene: SYNE1 (spectrin repeat containing nuclear envelope protein 1; minus strand). Cytogenetic location: 6q25.2.
Variant type: single nucleotide variant.
Coding change: c.10209T>C on transcript NM_182961.4 (MANE Select); coding-DNA position 10209, T replaced by C.
Protein change: p.Gly3403=; no amino-acid change (glycine 3403 retained).
Molecular consequence: synonymous variant.
Genome position (GRCh38, 1-based): chr6:152,362,260, A>G on the plus strand (T>C on the coding strand, the complement: SYNE1 is on the minus strand). VCF-style: chr6-152362260-A-G. GRCh37 (hg19) VCF-style: chr6-152683395-A-G.
Other names: c.10230T>C, p.Gly3410= (NM_033071.5).
Identifiers: ClinVar variation 4682409 (VCV004682409.1).
Genomic context (GRCh38, chr6:152,362,260, plus strand): 5'-CCGCAGCTCCGCATGCTGCCTTTCTGATTCATTCAGGTTGGCTTCCATACTATCCATCCA[A>G]CCGGAGAACTGTCGAACGCCATCCTGATAACTTGTCCACTTGGAGAGAGCTCCTTCGAGT-3'
Protein context (NP_892006.3, residues 3393-3413): SYQDGVRQFS[Gly3403=]WMDSMEANLN

ClinVar aggregate classification (germline): Likely benign (1 of 4 stars; one submission).

gnomAD v4.1: 5 of 1,614,208 alleles (0.00031%); highest among the groups gnomAD compares: Non-Finnish European, 0.00042%; no homozygotes.

Submission:

Athena Diagnostics
Classification: Likely benign. Last evaluated: 2025-07-25. Review status: criteria provided, single submitter. Criteria: Athena Diagnostics Criteria. Collection method: clinical testing. Allele origin: unknown.
Comment: Computational tools yielded predictions that this variant is unlikely to have an effect on normal RNA splicing. This nucleotide position exhibits low evolutionary conservation.